The following is an entry in ClinVar:

NM_004036.5(ADCY3):c.2542C>T (p.Leu848Phe)

Gene: ADCY3 (adenylate cyclase 3; minus strand). Cytogenetic location: 2p23.3.
Variant type: single nucleotide variant.
Coding change: c.2542C>T on transcript NM_004036.5 (MANE Select); coding-DNA position 2542, C replaced by T.
Protein change: p.Leu848Phe; replaces leucine 848 with phenylalanine.
Molecular consequence: missense variant. On other transcripts: intron variant (1).
Genome position (GRCh38, 1-based): chr2:24,826,080, G>A on the plus strand (C>T on the coding strand, the complement: ADCY3 is on the minus strand). VCF-style: chr2-24826080-G-A. GRCh37 (hg19) VCF-style: chr2-25048949-G-A.
Other names: c.2545C>T, p.Leu849Phe (NM_001320613.2); c.2608C>T, p.Leu870Phe (NM_001377128.1); c.2404C>T, p.Leu802Phe (NM_001377129.1); c.1819C>T, p.Leu607Phe (NM_001377131.1); c.2542C>T, p.Leu848Phe (NM_001377132.1); c.2173-1544C>T (NM_001377130.1); short protein forms L802F, L848F, L849F, L607F, L870F.
Identifiers: ClinVar variation 5001873 (VCV005001873.1).

ClinVar aggregate classification (germline): Uncertain significance (1 of 4 stars; one submission).

Conditions:
ADCY3-related disorder. Also called: ADCY3-related condition.

gnomAD v4.1: 7 of 1,614,134 alleles (0.00043%); highest among the groups gnomAD compares: Non-Finnish European, 0.000085%; no homozygotes.

Submission:

PreventionGenetics, part of Exact Sciences
Classification: Uncertain significance for ADCY3-related condition. Last evaluated: 2024-10-03. Review status: criteria provided, single submitter. Criteria: ACMG Guidelines, 2015. Collection method: clinical testing. Allele origin: germline.
Comment: The ADCY3 c.2545C>T variant is predicted to result in the amino acid substitution p.Leu849Phe. To our knowledge, this variant has not been reported in the literature. This variant is reported in 0.0099% of alleles in individuals of Ashkenazi Jewish descent in gnomAD. At this time, the clinical significance of this variant is uncertain due to the absence of conclusive functional and genetic evidence.